The following is an entry in ClinVar:

NM_004517.4(ILK):c.1111C>T (p.Arg371Cys)

Genes: TAF10 (TATA-box binding protein associated factor 10; minus strand), ILK (integrin linked kinase; plus strand). Cytogenetic location: 11p15.4.
Variant type: single nucleotide variant.
Coding change: c.1111C>T on transcript NM_004517.4 (MANE Select); coding-DNA position 1111, C replaced by T.
Protein change: p.Arg371Cys; replaces arginine 371 with cysteine.
Molecular consequence: missense variant. On other transcripts: 3 prime UTR variant (1).
Genome position (GRCh38, 1-based): chr11:6,610,180, C>T. VCF-style: chr11-6610180-C-T. GRCh37 (hg19) VCF-style: chr11-6631411-C-T.
Other names: c.1111C>T, p.Arg371Cys (NM_001014794.3, NM_001014795.3); c.928C>T, p.Arg310Cys (NM_001278441.2); c.709C>T, p.Arg237Cys (NM_001278442.2); c.*742G>A (NM_006284.4); short protein forms R237C, R371C, R310C.
Identifiers: ClinVar variation 1421965 (VCV001421965.10), dbSNP rs759330457, ClinGen allele CA5858288.

ClinVar aggregate classification (germline): Uncertain significance. Review status: criteria provided, multiple submitters, no conflicts (2 of 4 stars). 2 submissions from 2 submitters: Uncertain significance (2). Last evaluated 2023-06-28.

Conditions:
Primary familial hypertrophic cardiomyopathy (HCM). Identifiers: Orphanet 99739, MedGen C0949658, MeSH D024741, MONDO:0024573. Inheritance: Various modes of inheritance.

Allele frequency attached by ClinVar (database versions not stated): gnomAD exomes below 0.00001 and 0.00001; ExAC 0.00001; TOPMed 0.00002.
gnomAD v4.1: 6 of 1,614,214 alleles (0.00037%); highest among the groups gnomAD compares: East Asian, 0.0022%; no homozygotes.

Submissions (2):

Ambry Genetics
Classification: Uncertain significance. Last evaluated: 2023-06-28. Review status: criteria provided, single submitter. Criteria: Ambry Variant Classification Scheme 2023. Collection method: clinical testing. Allele origin: germline.
Comment: The p.R371C variant (also known as c.1111C>T), located in coding exon 11 of the ILK gene, results from a C to T substitution at nucleotide position 1111. The arginine at codon 371 is replaced by cysteine, an amino acid with highly dissimilar properties. This amino acid position is conserved. In addition, this alteration is predicted to be deleterious by in silico analysis. Since supporting evidence is limited at this time, the clinical significance of this alteration remains unclear.

Labcorp Genetics (formerly Invitae), Labcorp
Classification: Uncertain significance for Primary familial hypertrophic cardiomyopathy. Last evaluated: 2021-04-04. Review status: criteria provided, single submitter. Criteria: Invitae Variant Classification Sherloc (09022015). Collection method: clinical testing. Allele origin: germline.
Comment: This variant is present in population databases (rs759330457, ExAC 0.001%). This sequence change replaces arginine with cysteine at codon 371 of the ILK protein (p.Arg371Cys). The arginine residue is highly conserved and there is a large physicochemical difference between arginine and cysteine. Algorithms developed to predict the effect of missense changes on protein structure and function are either unavailable or do not agree on the potential impact of this missense change (SIFT: "Deleterious"; PolyPhen-2: "Benign"; Align-GVGD: "Class C65"). This variant has not been reported in the literature in individuals with ILK-related conditions. In summary, the available evidence is currently insufficient to determine the role of this variant in disease. Therefore, it has been classified as a Variant of Uncertain Significance.